The following is an entry in ClinVar:

ClinVar aggregate classification (germline): Likely benign. Review status: criteria provided, multiple submitters, no conflicts (2 of 4 stars). 3 submissions from 3 submitters: Likely benign (3). Last evaluated 2026-04-01.

Conditions:
Developmental and epileptic encephalopathy, 11 (DEE11). Also called: Early infantile epileptic encephalopathy 11. Identifiers: Orphanet 1934, MedGen C3150987, MONDO:0013388, OMIM 613721.
Seizures, benign familial infantile, 3 (BFIS3). Also called: Familial neonatal seizures; CONVULSIONS, BENIGN FAMILIAL INFANTILE, 3. Identifiers: Orphanet 140927, Orphanet 306, MedGen C1843140, MONDO:0011904, OMIM 607745.

Allele frequency attached by ClinVar (database versions not stated): ExAC 0.00001; gnomAD exomes 0.00001; gnomAD 0.00003 and 0.00004; TOPMed 0.00003.
gnomAD v4.1: 13 of 1,613,250 alleles (0.00081%); highest among the groups gnomAD compares: Admixed American, 0.0084%; no homozygotes.

Submissions (3):

CeGaT Center for Human Genetics Tuebingen
Classification: Likely benign. Last evaluated: 2026-04-01. Review status: criteria provided, single submitter. Criteria: CeGaT Center For Human Genetics Tuebingen Variant Classification Criteria Version 2. Collection method: clinical testing. Allele origin: germline. Affected: yes. Observed: 1 variant allele.
Comment: SCN2A: BP4, BP7

Labcorp Genetics (formerly Invitae), Labcorp
Classification: Likely benign for Seizures, benign familial infantile, 3; Developmental and epileptic encephalopathy, 11. Last evaluated: 2025-01-27. Review status: criteria provided, single submitter. Criteria: Invitae Variant Classification Sherloc (09022015). Collection method: clinical testing. Allele origin: germline.

GeneDx
Classification: Likely benign. Last evaluated: 2021-02-02. Review status: criteria provided, single submitter. Criteria: GeneDx Variant Classification Process June 2021. Collection method: clinical testing. Allele origin: germline. Affected: yes.

NM_001040142.2(SCN2A):c.1621T>C (p.Leu541=)

Gene: SCN2A (sodium voltage-gated channel alpha subunit 2; plus strand). Cytogenetic location: 2q24.3.
Variant type: single nucleotide variant.
Coding change: c.1621T>C on transcript NM_001040142.2 (MANE Select); coding-DNA position 1621, T replaced by C.
Protein change: p.Leu541=; no amino-acid change (leucine 541 retained).
Molecular consequence: synonymous variant.
Genome position (GRCh38, 1-based): chr2:165,315,708, T>C. VCF-style: chr2-165315708-T-C. GRCh37 (hg19) VCF-style: chr2-166172218-T-C.
Other names: c.1621T>C, p.Leu541= (NM_001040143.2, NM_001371246.1, NM_001371247.1 and 1 more transcripts).
Identifiers: ClinVar variation 701659 (VCV000701659.14), dbSNP rs763631456, ClinGen allele CA1939845.